The following is an entry in ClinVar:

NM_000548.5(TSC2):c.268C>G (p.Gln90Glu)

Gene: TSC2 (TSC complex subunit 2; plus strand). Cytogenetic location: 16p13.3.
Variant type: single nucleotide variant.
Coding change: c.268C>G on transcript NM_000548.5 (MANE Select); coding-DNA position 268, C replaced by G.
Protein change: p.Gln90Glu; replaces glutamine 90 with glutamic acid.
Molecular consequence: missense variant. On other transcripts: 5 prime UTR variant (14), non-coding transcript variant (5), intron variant (9).
Genome position (GRCh38, 1-based): chr16:2,053,384, C>G. VCF-style: chr16-2053384-C-G. GRCh37 (hg19) VCF-style: chr16-2103385-C-G.
Other names: c.268C>G, p.Gln90Glu (NM_001114382.3, NM_001363528.2, NM_001370404.1 and 10 more transcripts); c.121C>G, p.Gln41Glu (NM_001318829.2, NM_001406675.1, NM_001406676.1 and 2 more transcripts); c.301C>G, p.Gln101Glu (NM_001318832.2); c.-1045C>G (NM_001406694.1, NM_001406695.1); c.-1164C>G (NM_001406690.1, NM_001406691.1, NM_001406689.1 and 2 more transcripts); c.-549C>G (NM_001406687.1, NM_001406680.1, NM_001406683.1); c.-1470C>G (NM_001406693.1); c.-1152C>G (NM_001406696.1); and 4 more; short protein forms Q101E, Q41E, Q90E.
Identifiers: ClinVar variation 3073488 (VCV003073488.3), dbSNP rs45517099, ClinGen allele CA394305635.

ClinVar aggregate classification (germline): Uncertain significance. Review status: criteria provided, multiple submitters, no conflicts (2 of 4 stars). 2 submissions from 2 submitters: Uncertain significance (2). Last evaluated 2024-04-11.

Conditions:
Tuberous sclerosis 2 (TSC2). Identifiers: Orphanet 805, MedGen C1860707, MONDO:0013199, OMIM 613254.
Tuberous sclerosis syndrome (TSC). Also called: Tuberous Sclerosis Complex; Tuberous sclerosis. Identifiers: Orphanet 805, MedGen C0041341, MONDO:0001734.

Submissions (2):

Labcorp Genetics (formerly Invitae), Labcorp
Classification: Uncertain significance for Tuberous sclerosis 2. Last evaluated: 2024-04-11. Review status: criteria provided, single submitter. Criteria: Invitae Variant Classification Sherloc (09022015). Collection method: clinical testing. Allele origin: germline.
Comment: This sequence change replaces glutamine, which is neutral and polar, with glutamic acid, which is acidic and polar, at codon 90 of the TSC2 protein (p.Gln90Glu). This variant is not present in population databases (gnomAD no frequency). This variant has not been reported in the literature in individuals affected with TSC2-related conditions. Advanced modeling of protein sequence and biophysical properties (such as structural, functional, and spatial information, amino acid conservation, physicochemical variation, residue mobility, and thermodynamic stability) performed at Invitae indicates that this missense variant is not expected to disrupt TSC2 protein function with a negative predictive value of 95%. In summary, the available evidence is currently insufficient to determine the role of this variant in disease. Therefore, it has been classified as a Variant of Uncertain Significance.

All of Us Research Program, National Institutes of Health
Classification: Uncertain significance for Tuberous sclerosis syndrome. Last evaluated: 2023-09-17. Review status: criteria provided, single submitter. Criteria: ACMG Guidelines, 2015. Collection method: clinical testing. Allele origin: germline. Inheritance: Autosomal dominant inheritance. Observed: 1 variant allele, 1 heterozygote.
Comment: This missense variant replaces glutamine with glutamic acid at codon 90 of the TSC2 protein. Computational prediction suggests that this variant may not impact protein structure and function (internally defined REVEL score threshold <= 0.5, PMID: 27666373). To our knowledge, functional studies have not been reported for this variant. This variant has not been reported in individuals affected with TSC2-related disorders in the literature. This variant has not been identified in the general population by the Genome Aggregation Database (gnomAD). The available evidence is insufficient to determine the role of this variant in disease conclusively. Therefore, this variant is classified as a Variant of Uncertain Significance.

This study involves interpretation of variants in research participants for the purpose of population health screening. Participant phenotype was not available at the time of variant classification. Additional details can be found in publication PMID: 35346344, PMCID: PMC8962531